The following is an entry in ClinVar:

ClinVar aggregate classification (germline): Uncertain significance (3 of 4 stars; one submission).

Conditions:
Open-angle glaucoma. Identifiers: MedGen C0017612, MONDO:0005338, HP:0012108.

Allele frequency attached by ClinVar (database versions not stated): gnomAD exomes below 0.00001.
gnomAD v4.1: 1 of 1,614,210 alleles (0.000062%); highest among the groups gnomAD compares: South Asian, 0.0011%; no homozygotes.

Submission:

ClinGen Glaucoma Variant Curation Expert Panel
Classification: Uncertain significance for Open-angle glaucoma. Last evaluated: 2025-10-08. Review status: reviewed by expert panel. Criteria: ClinGen Glaucoma ACMG Specifications V2.0.0 Approved. Collection method: curation. Allele origin: germline. Inheritance: Autosomal dominant inheritance.
Comment: The c.1348A>G variant in MYOC is a missense variant predicted to cause substitution of Asparagine by Aspartic Acid at amino acid 450 (p.Asn450Asp). The highest minor allele frequency of this variant was in the South Asian genetic ancestry group of gnomAD (v4.1.0) = 0.00001098 (1 allele out of 91,080), which met the ≤ 0.0001 threshold set for PM2_Supporting in a genetic ancestry group of at least 10,000 alleles. The REVEL score = 0.605, which was neither above nor below the thresholds for PP3 (≥ 0.644) or BP4 (≤ 0.290), predicting a damaging or benign impact on MYOC function. There was no functional evidence predicting a damaging or benign impact of this variant on MYOC function. This variant has not yet been identified in a proband diagnosed with juvenile or primary open angle glaucoma, only in a participant with preperimetric primary open angle glaucoma, thus PS4 was not applied. In summary, this variant met the criteria to receive a score of 1 and to be classified as a variant of uncertain significance (uncertain significance classification range -1 to 5, adapted from PMID: 32720330) for primary open angle glaucoma based on the ACMG/AMP criteria met, as specified by the ClinGen Glaucoma VCEP (v2.0.0, 5 Dec 2024): PM2_Supporting.

NM_000261.2(MYOC):c.1348A>G (p.Asn450Asp)

Gene: MYOC (myocilin; minus strand). Cytogenetic location: 1q24.3.
Variant type: single nucleotide variant.
Coding change: c.1348A>G on transcript NM_000261.2 (MANE Select); coding-DNA position 1348, A replaced by G.
Protein change: p.Asn450Asp; replaces asparagine 450 with aspartic acid.
Molecular consequence: missense variant.
Genome position (GRCh38, 1-based): chr1:171,636,092, T>C on the plus strand (A>G on the coding strand, the complement: MYOC is on the minus strand). VCF-style: chr1-171636092-T-C. GRCh37 (hg19) VCF-style: chr1-171605232-T-C.
Other names: NM_000261.2:c.1348A>G; short protein forms N450D.
Identifiers: ClinVar variation 1810377 (VCV001810377.2), dbSNP rs2527838316, ClinGen allele CA343723649.